The following is an entry in ClinVar:

ClinVar aggregate classification (germline): Uncertain significance. Review status: criteria provided, multiple submitters, no conflicts (2 of 4 stars). 2 submissions from 2 submitters: Uncertain significance (2). Last evaluated 2026-08-18.

Conditions:
Cardiovascular phenotype. Identifiers: MedGen CN230736.

Submissions (2):

Ambry Genetics
Classification: Uncertain significance for Cardiovascular phenotype. Last evaluated: 2026-08-18. Review status: criteria provided, single submitter. Criteria: Ambry Variant Classification Scheme 2023. Collection method: clinical testing. Allele origin: germline.
Comment: The c.2225-5_2225-2delAACA intronic variant is located 2 nucleotide(s) before coding exon 16 in the CACNA1C gene. This variant results from a deletion of 4 nucleotides at positions c.2225-5 to c.2225-2. This variant does not change the sequence of the canonical acceptor at this splice site. These nucleotide positions are highly conserved in available vertebrate species. In silico splice site analysis predicts that this alteration may result in the creation or strengthening of a novel splice acceptor site. Based on the available evidence, the clinical significance of this variant remains unclear.

CeGaT Center for Human Genetics Tuebingen
Classification: Uncertain significance. Last evaluated: 2024-03-01. Review status: criteria provided, single submitter. Criteria: CeGaT Center For Human Genetics Tuebingen Variant Classification Criteria Version 2. Collection method: clinical testing. Allele origin: germline. Affected: yes. Observed: 1 variant allele.
Comment: CACNA1C: PM2, BP4

NM_000719.7(CACNA1C):c.2225-5_2225-2del

Gene: CACNA1C (calcium voltage-gated channel subunit alpha1 C; plus strand). Cytogenetic location: 12p13.33.
Variant type: Deletion.
Coding change: c.2225-5_2225-2del on transcript NM_000719.7 (MANE Select); 5 bases into the intron before coding-DNA position 2225 through the canonical splice acceptor site of the intron before coding-DNA position 2225, 4 bases deleted (AACA; older notation c.2225-5_2225-2delAACA).
Molecular consequence: splice acceptor variant.
Genome position (GRCh38, 1-based): chr12:2,584,498-2,584,501, AACA deleted; deleting any 4 consecutive bases within chr12:2,584,495-2,584,501 gives the same sequence; the c. name uses the placement nearest the transcript's 3' end. VCF-style (leftmost placement, unchanged base first): chr12-2584494-CACAA-C. GRCh37 (hg19) VCF-style: chr12-2693660-CACAA-C.
Other names: c.2225-5_2225-2del (NM_001167624.3, NM_001167623.2, NM_001167625.2 and 18 more transcripts); c.2216-5_2216-2del (NM_001129844.2).
Identifiers: ClinVar variation 1787981 (VCV001787981.24), dbSNP rs773105585, ClinGen allele CA6388930.
Genomic context (GRCh38, chr12:2,584,494, plus strand): 5'-CCCCCGTGCCCCTGTGCCCACCAAAACCCCAAACCAAGGGTCATTTTCTTTAAGAATGGA[CACAA>C]ACAGATATCCTACTGAATGTGTTCTTGGCCATTGCTGTGGACAACCTGGCTGATGCTGAG-3'